The following is an entry in ClinVar:

ClinVar aggregate classification (germline): Likely benign. Review status: criteria provided, multiple submitters, no conflicts (2 of 4 stars). 3 submissions from 3 submitters: Likely benign (2). 1 of the submissions does not count toward it. Last evaluated 2026-06-01.

Conditions:
TRRAP-related disorder. Also called: TRRAP-related condition.

Allele frequency attached by ClinVar (database versions not stated): ExAC 0.00029; ESP Exome Variant Server 0.00031; gnomAD 0.00033; 1000 Genomes Project 0.00040; TOPMed 0.00051; 1000 Genomes Project 30x 0.00062.
gnomAD v4.1: 681 of 1,614,062 alleles (0.042%); highest among the groups gnomAD compares: Admixed American, 0.063%; 1 homozygote.

Submissions (3):

CeGaT Center for Human Genetics Tuebingen
Classification: Likely benign. Last evaluated: 2026-06-01. Review status: criteria provided, single submitter. Criteria: CeGaT Center For Human Genetics Tuebingen Variant Classification Criteria Version 2. Collection method: clinical testing. Allele origin: germline. Affected: yes. Observed: 3 variant alleles.
Comment: TRRAP: BP4, BP7

Labcorp Genetics (formerly Invitae), Labcorp
Classification: Likely benign. Last evaluated: 2025-12-28. Review status: criteria provided, single submitter. Criteria: Invitae Variant Classification Sherloc (09022015). Collection method: clinical testing. Allele origin: germline.

PreventionGenetics, part of Exact Sciences
Classification: Likely benign for TRRAP-related condition. Last evaluated: 2019-11-07. Review status: no assertion criteria provided. Collection method: clinical testing. Allele origin: germline. Not counted in ClinVar's aggregate classification.
Comment: This variant is classified as likely benign based on ACMG/AMP sequence variant interpretation guidelines (Richards et al. 2015 PMID: 25741868, with internal and published modifications).

NM_001375524.1(TRRAP):c.11313G>T (p.Arg3771=)

Gene: TRRAP (transformation/transcription domain associated protein; plus strand). Cytogenetic location: 7q22.1.
Variant type: single nucleotide variant.
Coding change: c.11313G>T on transcript NM_001375524.1 (MANE Select); coding-DNA position 11313, G replaced by T.
Protein change: p.Arg3771=; no amino-acid change (arginine 3771 retained).
Molecular consequence: synonymous variant.
Genome position (GRCh38, 1-based): chr7:99,011,511, G>T. VCF-style: chr7-99011511-G-T. GRCh37 (hg19) VCF-style: chr7-98609134-G-T.
Other names: c.11271G>T, p.Arg3757= (NM_001244580.2); c.11184G>T, p.Arg3728= (NM_003496.4); c.11184G>T (NM_003496.3).
Identifiers: ClinVar variation 2054150 (VCV002054150.28), dbSNP rs138339697, ClinGen allele CA4362126.
Genomic context (GRCh38, chr7:99,011,511, plus strand): 5'-GTTTCTGACCACCATCGGGGTCTCCGGCCCGTTGACAGCGTCCATGATTGCGGTCGCCCG[G>T]TGCTTCGCCCAGCCAAACTTTAAGGTGGGTCTCCACGTCGTCCTATCACAGGCGCAGGCT-3'
Protein context (NP_001362453.1, residues 3761-3781): PLTASMIAVA[Arg3771=]CFAQPNFKVD